The following is an entry in ClinVar:

ClinVar aggregate classification (germline): Uncertain significance (1 of 4 stars; one submission).

Conditions:
Dilated cardiomyopathy 1KK (CMD1KK). Identifiers: Orphanet 154, Orphanet 75249, MedGen C3714995, MONDO:0014100, OMIM 615248.

Submission:

Labcorp Genetics (formerly Invitae), Labcorp
Classification: Uncertain significance for Dilated cardiomyopathy 1KK. Last evaluated: 2025-02-24. Review status: criteria provided, single submitter. Criteria: Invitae Variant Classification Sherloc (09022015). Collection method: clinical testing. Allele origin: germline.
Comment: This sequence change replaces glutamic acid, which is acidic and polar, with alanine, which is neutral and non-polar, at codon 186 of the MYPN protein (p.Glu186Ala). This variant is not present in population databases (gnomAD no frequency). This variant has not been reported in the literature in individuals affected with MYPN-related conditions. ClinVar contains an entry for this variant (Variation ID: 2114200). An algorithm developed to predict the effect of missense changes on protein structure and function (PolyPhen-2) suggests that this variant is likely to be tolerated. In summary, the available evidence is currently insufficient to determine the role of this variant in disease. Therefore, it has been classified as a Variant of Uncertain Significance.

NM_032578.4(MYPN):c.557A>C (p.Glu186Ala)

Gene: MYPN (myopalladin; plus strand). Cytogenetic location: 10q21.3.
Variant type: single nucleotide variant.
Coding change: c.557A>C on transcript NM_032578.4 (MANE Select); coding-DNA position 557, A replaced by C.
Protein change: p.Glu186Ala; replaces glutamic acid 186 with alanine.
Molecular consequence: missense variant. On other transcripts: 5 prime UTR variant (1), non-coding transcript variant (1).
Genome position (GRCh38, 1-based): chr10:68,121,995, A>C. VCF-style: chr10-68121995-A-C. GRCh37 (hg19) VCF-style: chr10-69881752-A-C.
Other names: c.557A>C, p.Glu186Ala (NM_001256267.2); c.-566A>C (NM_001256268.2); short protein forms E186A.
Identifiers: ClinVar variation 2114200 (VCV002114200.4), dbSNP rs2495464407, ClinGen allele CA377104617.